The following is an entry in ClinVar:

ClinVar aggregate classification (germline): Conflicting classifications of pathogenicity. Review status: criteria provided, conflicting classifications (1 of 4 stars). 2 submissions from 2 submitters: Uncertain significance (1); Likely benign (1). Last evaluated 2025-06-11.

Conditions:
Inborn genetic diseases. Identifiers: MedGen C0950123, MeSH D030342.

Submissions (2):

Ambry Genetics
Classification: Likely benign for Inborn genetic diseases. Last evaluated: 2025-06-11. Review status: criteria provided, single submitter. Criteria: Ambry Variant Classification Scheme 2023. Collection method: clinical testing. Allele origin: germline.

Women's Health and Genetics/Laboratory Corporation of America, LabCorp
Classification: Uncertain significance. Last evaluated: 2024-11-27. Review status: criteria provided, single submitter. Criteria: LabCorp Variant Classification Summary - May 2015. Collection method: clinical testing. Allele origin: germline.
Comment: Variant summary: CACNA1G c.1385T>C (p.Val462Ala) results in a non-conservative amino acid change in the encoded protein sequence. Four of five in-silico tools predict a benign effect of the variant on protein function. The variant allele was found at a frequency of 1.3e-05 in 159072 control chromosomes. The available data on variant occurrences in the general population are insufficient to allow any conclusion about variant significance. To our knowledge, no occurrence of c.1385T>C in individuals affected with Spinocerebellar Ataxia Type 42 and no experimental evidence demonstrating its impact on protein function have been reported. No submitters have cited clinical-significance assessments for this variant to ClinVar. Based on the evidence outlined above, the variant was classified as uncertain significance.

NM_018896.5(CACNA1G):c.1385T>C (p.Val462Ala)

Gene: CACNA1G (calcium voltage-gated channel subunit alpha1 G; plus strand). Cytogenetic location: 17q21.33.
Variant type: single nucleotide variant.
Coding change: c.1385T>C on transcript NM_018896.5 (MANE Select); coding-DNA position 1385, T replaced by C.
Protein change: p.Val462Ala; replaces valine 462 with alanine.
Molecular consequence: missense variant. On other transcripts: non-coding transcript variant (5).
Genome position (GRCh38, 1-based): chr17:50,575,787, T>C. VCF-style: chr17-50575787-T-C. GRCh37 (hg19) VCF-style: chr17-48653148-T-C.
Other names: c.1385T>C, p.Val462Ala (NM_001256324.2, NM_001256325.2, NM_001256326.2 and 24 more transcripts); c.1385T>C (NM_018896.3); short protein forms V462A.
Identifiers: ClinVar variation 3629498 (VCV003629498.3).